The following is an entry in ClinVar:

ClinVar aggregate classification (germline): Uncertain significance. Review status: criteria provided, multiple submitters, no conflicts (2 of 4 stars). 2 submissions from 2 submitters: Uncertain significance (2). Last evaluated 2026-03-04.

Conditions:
VCAN-related disorder. Also called: VCAN-related condition.
Inborn genetic diseases. Identifiers: MedGen C0950123, MeSH D030342.

Submissions (2):

PreventionGenetics, part of Exact Sciences
Classification: Uncertain significance for VCAN-related condition. Last evaluated: 2026-03-04. Review status: criteria provided, single submitter. Criteria: ACMG Guidelines, 2015. Collection method: clinical testing. Allele origin: germline.
Comment: The VCAN c.212T>C variant is predicted to result in the amino acid substitution p.Val71Ala. To our knowledge, this variant has not been reported in the literature. This variant is reported in 0.00088% of alleles in individuals of European (Non-Finnish) descent in gnomAD. At this time, the clinical significance of this variant is uncertain due to the absence of conclusive functional and genetic evidence.

Ambry Genetics
Classification: Uncertain significance for Inborn genetic diseases. Last evaluated: 2024-06-19. Review status: criteria provided, single submitter. Criteria: Ambry Variant Classification Scheme 2023. Collection method: clinical testing. Allele origin: germline.

NM_004385.5(VCAN):c.212T>C (p.Val71Ala)

Gene: VCAN (versican; plus strand). Cytogenetic location: 5q14.2.
Variant type: single nucleotide variant.
Coding change: c.212T>C on transcript NM_004385.5 (MANE Select); coding-DNA position 212, T replaced by C.
Protein change: p.Val71Ala; replaces valine 71 with alanine.
Molecular consequence: missense variant.
Genome position (GRCh38, 1-based): chr5:83,490,239, T>C. VCF-style: chr5-83490239-T-C. GRCh37 (hg19) VCF-style: chr5-82786058-T-C.
Other names: c.212T>C, p.Val71Ala (NM_001126336.3, NM_001164097.2, NM_001164098.2); short protein forms V71A.
Identifiers: ClinVar variation 3331918 (VCV003331918.2).
Genomic context (GRCh38, chr5:83,490,239, plus strand): 5'-CTTTGCCACCCAGTTACAACACCAGTGAATTTCTCCGCATCAAATGGTCTAAGATTGAAG[T>C]GGACAAAAATGGAAAAGATTTGAAAGAGACTACTGTCCTTGTGGCCCAAAATGGAAATAT-3'
Protein context (NP_004376.2, residues 61-81): FLRIKWSKIE[Val71Ala]DKNGKDLKET